The following is an entry in ClinVar:

NM_032607.3(CREB3L3):c.431C>T (p.Pro144Leu)

Gene: CREB3L3 (cAMP responsive element binding protein 3 like 3; plus strand). Cytogenetic location: 19p13.3.
Variant type: single nucleotide variant.
Coding change: c.431C>T on transcript NM_032607.3 (MANE Select); coding-DNA position 431, C replaced by T.
Protein change: p.Pro144Leu; replaces proline 144 with leucine.
Molecular consequence: missense variant.
Genome position (GRCh38, 1-based): chr19:4,157,269, C>T. VCF-style: chr19-4157269-C-T. GRCh37 (hg19) VCF-style: chr19-4157266-C-T.
Other names: c.428C>T, p.Pro143Leu (NM_001271995.2); c.431C>T, p.Pro144Leu (NM_001271996.2, NM_001271997.2); short protein forms P143L, P144L.
Identifiers: ClinVar variation 1956853 (VCV001956853.5), dbSNP rs2512343938, ClinGen allele CA403402281.

ClinVar aggregate classification (germline): Uncertain significance (1 of 4 stars; one submission).

Submission:

Labcorp Genetics (formerly Invitae), Labcorp
Classification: Uncertain significance. Last evaluated: 2022-02-04. Review status: criteria provided, single submitter. Criteria: Invitae Variant Classification Sherloc (09022015). Collection method: clinical testing. Allele origin: germline.
Comment: This variant has not been reported in the literature in individuals affected with CREB3L3-related conditions. This variant is not present in population databases (gnomAD no frequency). This sequence change replaces proline, which is neutral and non-polar, with leucine, which is neutral and non-polar, at codon 144 of the CREB3L3 protein (p.Pro144Leu). Algorithms developed to predict the effect of missense changes on protein structure and function output the following: SIFT: "Tolerated"; PolyPhen-2: "Benign"; Align-GVGD: "Class C0". The leucine amino acid residue is found in multiple mammalian species, which suggests that this missense change does not adversely affect protein function. In summary, the available evidence is currently insufficient to determine the role of this variant in disease. Therefore, it has been classified as a Variant of Uncertain Significance.